The following is an entry in ClinVar:

NM_031407.7(HUWE1):c.5167C>T (p.Pro1723Ser)

Gene: HUWE1 (HECT, UBA and WWE domain containing E3 ubiquitin protein ligase 1; minus strand). Cytogenetic location: Xp11.22.
Variant type: single nucleotide variant.
Coding change: c.5167C>T on transcript NM_031407.7 (MANE Select); coding-DNA position 5167, C replaced by T.
Protein change: p.Pro1723Ser; replaces proline 1723 with serine.
Molecular consequence: missense variant.
Genome position (GRCh38, 1-based): chrX:53,583,911, G>A on the plus strand (C>T on the coding strand, the complement: HUWE1 is on the minus strand). VCF-style: chrX-53583911-G-A. GRCh37 (hg19) VCF-style: chrX-53610871-G-A.
Other names: short protein forms P1723S.
Identifiers: ClinVar variation 3692567 (VCV003692567.2).

ClinVar aggregate classification (germline): Uncertain significance (1 of 4 stars; one submission).

Submission:

Labcorp Genetics (formerly Invitae), Labcorp
Classification: Uncertain significance. Last evaluated: 2024-05-02. Review status: criteria provided, single submitter. Criteria: Invitae Variant Classification Sherloc (09022015). Collection method: clinical testing. Allele origin: germline.
Comment: This sequence change replaces proline, which is neutral and non-polar, with serine, which is neutral and polar, at codon 1723 of the HUWE1 protein (p.Pro1723Ser). This variant is not present in population databases (gnomAD no frequency). This variant has not been reported in the literature in individuals affected with HUWE1-related conditions. Advanced modeling of protein sequence and biophysical properties (such as structural, functional, and spatial information, amino acid conservation, physicochemical variation, residue mobility, and thermodynamic stability) performed at Invitae indicates that this missense variant is not expected to disrupt HUWE1 protein function with a negative predictive value of 95%. In summary, the available evidence is currently insufficient to determine the role of this variant in disease. Therefore, it has been classified as a Variant of Uncertain Significance.